The following is an entry in ClinVar:

NM_172107.4(KCNQ2):c.1352C>T (p.Ala451Val)

Gene: KCNQ2 (potassium voltage-gated channel subfamily Q member 2; minus strand). Cytogenetic location: 20q13.33.
Variant type: single nucleotide variant.
Coding change: c.1352C>T on transcript NM_172107.4 (MANE Select); coding-DNA position 1352, C replaced by T.
Protein change: p.Ala451Val; replaces alanine 451 with valine.
Molecular consequence: missense variant.
Genome position (GRCh38, 1-based): chr20:63,415,076, G>A on the plus strand (C>T on the coding strand, the complement: KCNQ2 is on the minus strand). VCF-style: chr20-63415076-G-A. GRCh37 (hg19) VCF-style: chr20-62046429-G-A.
Other names: c.1298C>T, p.Ala433Val (NM_001382235.1, NM_172106.3); c.1268C>T, p.Ala423Val (NM_004518.6); c.1262C>T, p.Ala421Val (NM_172108.5); short protein forms A421V, A423V, A433V, A451V.
Identifiers: ClinVar variation 999695 (VCV000999695.22), dbSNP rs774027338, ClinGen allele CA9958466.

ClinVar aggregate classification (germline): Uncertain significance. Review status: criteria provided, multiple submitters, no conflicts (2 of 4 stars). 2 submissions from 2 submitters: Uncertain significance (2). Last evaluated 2024-11-01.

Conditions:
Early-infantile DEE. Also called: Early infantile epileptic encephalopathy with suppression bursts; Early infantile epileptic encephalopathy; Ohtahara syndrome. Identifiers: Orphanet 1934, MedGen C0393706, MONDO:0800491.

Allele frequency attached by ClinVar (database versions not stated): gnomAD exomes below 0.00001 and 0.00002; TOPMed below 0.00001; gnomAD 0.00001; ExAC 0.00003.
gnomAD v4.1: 4 of 1,605,670 alleles (0.00025%); highest among the groups gnomAD compares: Middle Eastern, 0.016%; no homozygotes.

Submissions (2):

CeGaT Center for Human Genetics Tuebingen
Classification: Uncertain significance. Last evaluated: 2024-11-01. Review status: criteria provided, single submitter. Criteria: CeGaT Center For Human Genetics Tuebingen Variant Classification Criteria Version 2. Collection method: clinical testing. Allele origin: germline. Affected: yes. Observed: 1 variant allele.

Labcorp Genetics (formerly Invitae), Labcorp
Classification: Uncertain significance for Early-infantile DEE. Last evaluated: 2024-03-26. Review status: criteria provided, single submitter. Criteria: Invitae Variant Classification Sherloc (09022015). Collection method: clinical testing. Allele origin: germline.
Comment: This sequence change replaces alanine, which is neutral and non-polar, with valine, which is neutral and non-polar, at codon 451 of the KCNQ2 protein (p.Ala451Val). The frequency data for this variant in the population databases is considered unreliable, as metrics indicate poor data quality at this position in the gnomAD database. This variant has not been reported in the literature in individuals affected with KCNQ2-related conditions. ClinVar contains an entry for this variant (Variation ID: 999695). An algorithm developed to predict the effect of missense changes on protein structure and function (PolyPhen-2) suggests that this variant is likely to be tolerated. In summary, the available evidence is currently insufficient to determine the role of this variant in disease. Therefore, it has been classified as a Variant of Uncertain Significance.